The following is an entry in ClinVar:

ClinVar aggregate classification (germline): Pathogenic. Review status: reviewed by expert panel (3 of 4 stars). 2 submissions from 2 submitters: Pathogenic (1). 1 of the submissions does not count toward it. Last evaluated 2016-10-18.

Conditions:
Breast-ovarian cancer, familial, susceptibility to, 1 (BROVCA1). Also called: BRCA1 Hereditary Breast and Ovarian Cancer; OVARIAN CANCER, SUSCEPTIBILITY TO. Identifiers: Orphanet 145, MedGen C2676676, MONDO:0011450, OMIM 604370. Disease mechanism: loss of function.

Submissions (2):

Evidence-based Network for the Interpretation of Germline Mutant Alleles (ENIGMA)
Classification: Pathogenic for Breast-ovarian cancer, familial, susceptibility to, 1. Last evaluated: 2016-10-18. Review status: reviewed by expert panel. Criteria: ENIGMA BRCA1/2 Classification Criteria (2015). Collection method: curation. Allele origin: germline.
Comment: Variant allele predicted to encode a truncated non-functional protein.

Consortium of Investigators of Modifiers of BRCA1/2 (CIMBA), c/o University of Cambridge
Classification: Pathogenic for Breast-ovarian cancer, familial, susceptibility to, 1. Last evaluated: 2015-10-02. Review status: criteria provided, single submitter. Criteria: CIMBA Mutation Classification guidelines May 2016. Collection method: clinical testing. Allele origin: germline. Not counted in ClinVar's aggregate classification.

NM_007294.4(BRCA1):c.1179_1180insT (p.Gly394fs)

Gene: BRCA1 (BRCA1 DNA repair associated; minus strand). Cytogenetic location: 17q21.31.
Variant type: Insertion.
Coding change: c.1179_1180insT on transcript NM_007294.4 (MANE Select); coding-DNA positions 1179 to 1180, T inserted.
Protein change: p.Gly394fs; shifts the reading frame from glycine 394.
Molecular consequence: frameshift variant. On other transcripts: intron variant (137).
Genome position: GRCh38 VCF-style: chr17-43094351-C-CA. GRCh37 (hg19) VCF-style: chr17-41246368-C-CA.
Other names: 1298insT; c.966_967insT, p.Gly323fs (NM_001407571.1, NM_001407915.1, NM_001407916.1 and 9 more transcripts); c.1179_1180insT, p.Gly394fs (NM_001407581.1, NM_001407582.1, NM_001407583.1 and 30 more transcripts); c.1176_1177insT, p.Gly393fs (NM_001407587.1, NM_001407590.1, NM_001407591.1 and 22 more transcripts); c.1170_1171insT, p.Gly391fs (NM_001407646.1, NM_001407647.1); c.1098_1099insT, p.Gly367fs (NM_001407660.1, NM_001407661.1, NM_001407662.1 and 1 more transcripts); c.1101_1102insT, p.Gly368fs (NM_001407663.1, NM_001407653.1, NM_001407654.1 and 4 more transcripts); c.1056_1057insT, p.Gly353fs (NM_001407664.1, NM_001407665.1, NM_001407666.1 and 19 more transcripts); and 41 more; short protein forms G394fs, G347fs, G226fs, G267fs, G323fs, G346fs, G368fs, G305fs.
Identifiers: ClinVar variation 266142 (VCV000266142.6), dbSNP rs886039931, ClinGen allele CA10589962.